The following is an entry in ClinVar:

ClinVar aggregate classification (germline): Uncertain significance (1 of 4 stars; one submission).

Allele frequency attached by ClinVar (database versions not stated): gnomAD exomes below 0.00001; TOPMed below 0.00001.
gnomAD v4.1: 1 of 1,561,414 alleles (0.000064%); highest among the groups gnomAD compares: Non-Finnish European, 0.000087%; no homozygotes.

Submission:

GeneDx
Classification: Uncertain significance. Last evaluated: 2024-06-12. Review status: criteria provided, single submitter. Criteria: GeneDx Variant Classification Process June 2021. Collection method: clinical testing. Allele origin: germline. Affected: yes.
Comment: Not observed at significant frequency in large population cohorts (gnomAD); In silico analysis indicates that this missense variant does not alter protein structure/function; Has not been previously published as pathogenic or benign to our knowledge

NM_003922.4(HERC1):c.10855A>G (p.Ile3619Val)

Gene: HERC1 (HECT and RLD domain containing E3 ubiquitin protein ligase family member 1; minus strand). Cytogenetic location: 15q22.31.
Variant type: single nucleotide variant.
Coding change: c.10855A>G on transcript NM_003922.4 (MANE Select); coding-DNA position 10855, A replaced by G.
Protein change: p.Ile3619Val; replaces isoleucine 3619 with valine.
Molecular consequence: missense variant.
Genome position (GRCh38, 1-based): chr15:63,648,092, T>C on the plus strand (A>G on the coding strand, the complement: HERC1 is on the minus strand). VCF-style: chr15-63648092-T-C. GRCh37 (hg19) VCF-style: chr15-63940291-T-C.
Other names: short protein forms I3619V.
Identifiers: ClinVar variation 1315912 (VCV001315912.3), dbSNP rs756465521, ClinGen allele CA7604369.
Genomic context (GRCh38, chr15:63,648,092, plus strand): 5'-TATCCCATAAAATTACGTTTTTTAAAGATGCATTTACCTTATGTGCATCAATTAGAACAA[T>C]GCCTCCTTTCTCAAGTGGTTCCTTTGTTCCCAGTAACAGTTTTCCATCAAAATATCCCAC-3'
Protein context (NP_003913.3, residues 3609-3629): GTKEPLEKGG[Ile3619Val]VLIDAHKDTL